The following is an entry in ClinVar:

NM_002834.5(PTPN11):c.1052G>T (p.Arg351Leu)

Gene: PTPN11 (protein tyrosine phosphatase non-receptor type 11; plus strand). Cytogenetic location: 12q24.13.
Variant type: single nucleotide variant.
Coding change: c.1052G>T on transcript NM_002834.5 (MANE Select); coding-DNA position 1052, G replaced by T.
Protein change: p.Arg351Leu; replaces arginine 351 with leucine.
Molecular consequence: missense variant.
Genome position (GRCh38, 1-based): chr12:112,477,975, G>T. VCF-style: chr12-112477975-G-T. GRCh37 (hg19) VCF-style: chr12-112915779-G-T.
Other names: c.1052G>T, p.Arg351Leu (NM_001330437.2, NM_080601.3); c.1049G>T, p.Arg350Leu (NM_001374625.1); short protein forms R350L, R351L.
Identifiers: ClinVar variation 4879220 (VCV004879220.1).
Genomic context (GRCh38, chr12:112,477,975, plus strand): 5'-AAGGCTGCCTGCAAAACACGGTGAATGACTTTTGGCGGATGGTGTTCCAAGAAAACTCCC[G>T]AGTGATTGTCATGACAACGAAAGAAGTGGAGAGAGGAAAGGTAAATCACAGAAACTTCTT-3'
Protein context (NP_002825.3, residues 341-361): FWRMVFQENS[Arg351Leu]VIVMTTKEVE

ClinVar aggregate classification (germline): Uncertain significance (1 of 4 stars; one submission).

Conditions:
Noonan syndrome 1 (NS1). Also called: FEMALE PSEUDO-TURNER SYNDROME; TURNER PHENOTYPE WITH NORMAL KARYOTYPE; PTPN11-Related Noonan Syndrome. Identifiers: Orphanet 648, MedGen C4551602, MONDO:0008104, OMIM 163950. Disease mechanism: gain of function.
LEOPARD syndrome 1 (LPRD1). Also called: LENTIGINOSIS, CARDIOMYOPATHIC; MULTIPLE LENTIGINES SYNDROME; PTPN11-Related LEOPARD Syndrome. Identifiers: Orphanet 500, MedGen C4551484, MONDO:0100082, OMIM 151100.

Submission:

Clinical Genomics Laboratory, Washington University in St. Louis
Classification: Uncertain significance for Noonan syndrome 1; LEOPARD syndrome 1. Last evaluated: 2026-01-26. Review status: criteria provided, single submitter. Criteria: ACMG Guidelines, 2015. Collection method: clinical testing. Allele origin: germline.
Comment: The PTPN11 c.1052G>T (p.Arg351Leu) variant, to our knowledge, has not been reported in the medical literature. This variant is absent from the general population (gnomAD v.2.1.1), indicating it is not a common variant. Computational predictors are uncertain as to the impact of this variant on PTPN11 function. Based on the available information and the updated ACMG/AMP specifications for variant interpretation and gene curation from the ClinGen RASopathy Expert Panel (Wilcox EH et al., PMID: 40496714), the clinical significance of this variant is uncertain at this time.